The following is an entry in ClinVar:

NM_004415.4(DSP):c.4856T>C (p.Leu1619Pro)

Gene: DSP (desmoplakin; plus strand). Cytogenetic location: 6p24.3.
Variant type: single nucleotide variant.
Coding change: c.4856T>C on transcript NM_004415.4 (MANE Select); coding-DNA position 4856, T replaced by C.
Protein change: p.Leu1619Pro; replaces leucine 1619 with proline.
Molecular consequence: missense variant. On other transcripts: intron variant (2).
Genome position (GRCh38, 1-based): chr6:7,581,046, T>C. VCF-style: chr6-7581046-T-C. GRCh37 (hg19) VCF-style: chr6-7581279-T-C.
Other names: c.4050+806T>C (NM_001319034.2); c.3582+1274T>C (NM_001008844.3); short protein forms L1619P.
Identifiers: ClinVar variation 3075349 (VCV003075349.2), dbSNP rs1348541237, ClinGen allele CA362687309.
Genomic context (GRCh38, chr6:7,581,046, plus strand): 5'-AAGGCATGAGGAGGTCGCTGAAGGAGCAAGCCATCAAAATCACCAACCTGACCCAGCAGC[T>C]GGAGCAGGCATCCATTGTTAAGAAGAGGAGTGAGGATGACCTCCGGCAGCAGAGGGACGT-3'
Protein context (NP_004406.2, residues 1609-1629): AIKITNLTQQ[Leu1619Pro]EQASIVKKRS

ClinVar aggregate classification (germline): Uncertain significance. Review status: criteria provided, multiple submitters, no conflicts (2 of 4 stars). 2 submissions from 2 submitters: Uncertain significance (2). Last evaluated 2026-07-10.

Conditions:
Cardiovascular phenotype. Identifiers: MedGen CN230736.
Arrhythmogenic cardiomyopathy with wooly hair and keratoderma. Also called: PALMOPLANTAR KERATODERMA WITH LEFT VENTRICULAR CARDIOMYOPATHY AND WOOLLY HAIR; Carvajal syndrome; Dilated cardiomyopathy with woolly hair and keratoderma; Arrhythmogenic cardiomyopathy with woolly hair and keratoderma. Identifiers: Orphanet 65282, MedGen C1854063, MONDO:0011581, OMIM 605676.

Submissions (2):

Ambry Genetics
Classification: Uncertain significance for Cardiovascular phenotype. Last evaluated: 2026-07-10. Review status: criteria provided, single submitter. Criteria: Ambry Variant Classification Scheme 2023. Collection method: clinical testing. Allele origin: germline.
Comment: The p.L1619P variant (also known as c.4856T>C), located in coding exon 23 of the DSP gene, results from a T to C substitution at nucleotide position 4856. The leucine at codon 1619 is replaced by proline, an amino acid with similar properties. This amino acid position is conserved. In addition, the in silico prediction for this alteration is inconclusive. Based on the available evidence, the clinical significance of this variant remains unclear.

All of Us Research Program, National Institutes of Health
Classification: Uncertain significance for Arrhythmogenic cardiomyopathy with wooly hair and keratoderma. Last evaluated: 2024-01-11. Review status: criteria provided, single submitter. Criteria: ACMG Guidelines, 2015. Collection method: clinical testing. Allele origin: germline. Inheritance: Autosomal dominant inheritance. Observed: 1 variant allele, 1 heterozygote.
Comment: This study involves interpretation of variants in research participants for the purpose of population health screening. Participant phenotype was not available at the time of variant classification. Additional details can be found in publication PMID: 35346344, PMCID: PMC8962531